The following is an entry in ClinVar:

ClinVar aggregate classification (germline): Pathogenic (1 of 4 stars; one submission).

Conditions:
Mucopolysaccharidosis, MPS-III-C (MPS3C). Also called: SANFILIPPO SYNDROME C; MPS III C; mucopolysaccharidosis type 3C; MPS IIIC (Sanfilippo Syndrome Type C); MUCOPOLYSACCHARIDOSIS, TYPE IIIC; Mucopolysaccharidosis type IIIC (Sanfilippo C). Identifiers: Orphanet 581, Orphanet 79271, MedGen C0086649, MONDO:0009657, OMIM 252930.

Submission:

Natera, Inc.
Classification: Pathogenic for Mucopolysaccharidosis type IIIC. Last evaluated: 2025-03-24. Review status: criteria provided, single submitter. Criteria: Natera Variant Classification Schema (03/2026). Collection method: clinical testing. Allele origin: germline.
Comment: The c.1726+1G>T variant in HGSNAT is a canonical splice donor site variant predicted to affect pre-mRNA splicing, which may result in an abnormal transcript and altered protein product. This variant is expected to result in nonsense mediated decay, truncation, or a dysfunctional protein product. This variant is rare in the general population with a frequency below the threshold expected for the associated phenotype(s). Another variant at this same site results in an alteration predicted to cause a similar molecular effect has been observed in individual(s) with the associated phenotype. Given the available evidence, this variant is classified as Pathogenic.

NM_152419.3(HGSNAT):c.1726+1G>T

Gene: HGSNAT (heparan-alpha-glucosaminide N-acetyltransferase; plus strand). Cytogenetic location: 8p11.21.
Variant type: single nucleotide variant.
Coding change: c.1726+1G>T on transcript NM_152419.3 (MANE Select); the canonical splice donor site of the intron after coding-DNA position 1726, G replaced by T.
Molecular consequence: splice donor variant.
Genome position (GRCh38, 1-based): chr8:43,197,953, G>T. VCF-style: chr8-43197953-G-T. GRCh37 (hg19) VCF-style: chr8-43053096-G-T.
Other names: c.862+1G>T (NM_001363229.2); c.1534+1G>T (NM_001363228.2); c.1813+1G>T (NM_001363227.2).
Identifiers: ClinVar variation 4069302 (VCV004069302.2).